The following is an entry in ClinVar:

ClinVar aggregate classification (germline): Pathogenic/Likely pathogenic. Review status: criteria provided, multiple submitters, no conflicts (2 of 4 stars). 4 submissions from 4 submitters: Pathogenic (1); Likely pathogenic (2). 1 of the submissions does not count toward it. Last evaluated 2025-05-25.

Conditions:
PMM2-congenital disorder of glycosylation. Also called: Congenital disorder of glycosylation, type Ia; CDG Ia; JAEKEN SYNDROME; PHOSPHOMANNOMUTASE 2 DEFICIENCY; CARBOHYDRATE-DEFICIENT GLYCOPROTEIN SYNDROME, TYPE Ia; PMM2-CDG. Identifiers: Orphanet 79318, MedGen C0349653, MONDO:0008907, OMIM 212065.

Submissions (4):

Labcorp Genetics (formerly Invitae), Labcorp
Classification: Pathogenic for PMM2-congenital disorder of glycosylation. Last evaluated: 2025-05-25. Review status: criteria provided, single submitter. Criteria: Invitae Variant Classification Sherloc (09022015). Collection method: clinical testing. Allele origin: germline.
Comment: This sequence change creates a premature translational stop signal (p.Ile24Leufs*12) in the PMM2 gene. It is expected to result in an absent or disrupted protein product. Loss-of-function variants in PMM2 are known to be pathogenic (PMID: 19862844). This variant is not present in population databases (gnomAD no frequency). This variant has not been reported in the literature in individuals affected with PMM2-related conditions. This variant is also known as c.66+1del. ClinVar contains an entry for this variant (Variation ID: 550661). Algorithms developed to predict the effect of sequence changes on RNA splicing suggest that this variant may disrupt the consensus splice site. For these reasons, this variant has been classified as Pathogenic.

Baylor Genetics
Classification: Likely pathogenic for PMM2-congenital disorder of glycosylation. Last evaluated: 2023-03-20. Review status: criteria provided, single submitter. Criteria: ACMG Guidelines, 2015. Collection method: clinical testing. Allele origin: unknown.

Fulgent Genetics
Classification: Likely pathogenic for PMM2-congenital disorder of glycosylation. Last evaluated: 2021-12-28. Review status: criteria provided, single submitter. Criteria: ACMG Guidelines, 2015. Collection method: clinical testing. Allele origin: unknown.

Counsyl
Classification: Likely pathogenic for PMM2-congenital disorder of glycosylation. Last evaluated: 2017-02-07. Review status: no assertion criteria provided. Collection method: clinical testing. Allele origin: unknown. Not counted in ClinVar's aggregate classification.

Literature cited by the submitters: PubMed 19862844 (cited by Labcorp Genetics (formerly Invitae), Labcorp).

NM_000303.3(PMM2):c.66+1del

Gene: PMM2 (phosphomannomutase 2; plus strand). Cytogenetic location: 16p13.2.
Variant type: Deletion.
Coding change: c.66+1del on transcript NM_000303.3 (MANE Select); the canonical splice donor site of the intron after coding-DNA position 66, one base deleted (G; older notation c.66+1delG).
Molecular consequence: splice donor variant.
Genome position (GRCh38, 1-based): chr16:8,797,949, G deleted; the last of 2 consecutive G bases (chr16:8,797,948-8,797,949); deleting either gives the same sequence. VCF-style (leftmost placement, unchanged base first): chr16-8797947-AG-A. GRCh37 (hg19) VCF-style: chr16-8891804-AG-A.
Other names: c.66+1delG (NM_000303.2); c.66del (NM_000303.3).
Identifiers: ClinVar variation 550661 (VCV000550661.9), dbSNP rs1555495965, ClinGen allele CA658823864.
Genomic context (GRCh38, chr16:8,797,947, plus strand): 5'-CAGCGCCTGGCCCAGCGCTCTGCCTCTTCGACGTGGATGGGACCCTCACCGCCCCGCGGC[AG>A]GTAAGTGGCGGCCGGCGGGCTGCTGGCAGCCGACGCGGAGCCCGTGCTGTTCCCAGTTGG-3'